The following is an entry in ClinVar:

NM_000030.3(AGXT):c.299_307dup (p.Val102_Gly103insValLeuVal)

Gene: AGXT (alanine--glyoxylate aminotransferase; plus strand). Cytogenetic location: 2q37.3.
Variant type: Duplication.
Coding change: c.299_307dup on transcript NM_000030.3 (MANE Select); coding-DNA positions 299 to 307, 9 bases duplicated (TCCTGGTTG; older notation c.299_307dupTCCTGGTTG).
Protein change: p.Val102_Gly103insValLeuVal.
Molecular consequence: inframe insertion.
Genome position (GRCh38, 1-based): chr2:240,869,303-240,869,311, TCCTGGTTG duplicated. VCF-style (leftmost placement, unchanged base first): chr2-240869302-T-TTCCTGGTTG. GRCh37 (hg19) VCF-style: chr2-241808719-T-TTCCTGGTTG.
Identifiers: ClinVar variation 242577 (VCV000242577.2), dbSNP rs180177193, ClinGen allele CA352232.

ClinVar aggregate classification (germline): Likely pathogenic (1 of 4 stars; one submission).

Conditions:
Primary hyperoxaluria, type I (HP1). Also called: GLYCOLIC ACIDURIA; HEPATIC AGT DEFICIENCY; OXALOSIS I; Primary hyperoxaluria type 1. Identifiers: Orphanet 416, Orphanet 93598, MedGen C0268164, MONDO:0009823, OMIM 259900. Disease mechanism: loss of function.

Submission:

Rare Kidney Stone Consortium and the Mayo Clinic Hyperoxaluria Center, Mayo Clinic
Classification: Likely pathogenic for Primary hyperoxaluria, type I. Last evaluated: 2023-10-27. Review status: criteria provided, single submitter. Criteria: ACMG Guidelines, 2015. Collection method: clinical testing. Allele origin: germline. Affected: yes.
Comment: ACMG:PM2 PM3 PM4 PP4 PP5

Literature cited by the submitters: PubMed 25644115.